The following is an entry in ClinVar:

NM_001201543.2(FAM161A):c.70G>T (p.Gly24Ter)

Genes: FAM161A (FAM161 centrosomal protein A; minus strand), LOC129933843 (ATAC-STARR-seq lymphoblastoid active region 15839; plus strand). Cytogenetic location: 2p15.
Variant type: single nucleotide variant.
Coding change: c.70G>T on transcript NM_001201543.2 (MANE Select); coding-DNA position 70, G replaced by T.
Protein change: p.Gly24Ter; replaces glycine 24 with a stop codon.
Molecular consequence: nonsense. On other transcripts: non-coding transcript variant (1).
Genome position (GRCh38, 1-based): chr2:61,853,972, C>A on the plus strand (G>T on the coding strand, the complement: FAM161A is on the minus strand). VCF-style: chr2-61853972-C-A. GRCh37 (hg19) VCF-style: chr2-62081107-C-A.
Other names: c.70G>T (NM_001201543.1); c.70G>T, p.Gly24Ter (NM_032180.3); short protein forms G24*.
Identifiers: ClinVar variation 1075859 (VCV001075859.11), dbSNP rs2105111295, ClinGen allele CA346990009.
Genomic context (GRCh38, chr2:61,853,972, plus strand): 5'-CCTCCGCTGCCGCCAGGGCCTTTAAGGGGTCTTCGCGTTCGTACTGGGCGACCCGCGCTC[C>A]AGTGATGGGATTTACCGGGGTCTGGAGACTGGAGGCCACCAGCTTCGCCACTCGGTGGGA-3'

ClinVar aggregate classification (germline): Pathogenic/Likely pathogenic. Review status: criteria provided, multiple submitters, no conflicts (2 of 4 stars). 5 submissions from 5 submitters: Pathogenic (1); Likely pathogenic (4). Last evaluated 2024-04-22.

Conditions:
Retinitis pigmentosa 28 (RP28). Identifiers: Orphanet 791, MedGen C1419614, MONDO:0011630, OMIM 606068.
Retinitis pigmentosa (RP). Identifiers: Orphanet 791, MedGen C0035334, MeSH D012174, MONDO:0019200, OMIM 268000. Inheritance: Autosomal dominant, autosomal recessive and X linked inheritance.

Allele frequency attached by ClinVar (database versions not stated): gnomAD exomes below 0.00001.

Submissions (5):

Natera, Inc.
Classification: Likely pathogenic for Retinitis pigmentosa type 28. Last evaluated: 2024-04-22. Review status: criteria provided, single submitter. Criteria: Natera Variant Classification Schema (03/2026). Collection method: clinical testing. Allele origin: germline.
Comment: The c.70G>T variant in FAM161A is a nonsense variant predicted to introduce a stop codon at amino acid 24. This variant is expected to result in nonsense mediated decay, truncation, or a dysfunctional protein product. This variant is rare in the general population with a frequency below the threshold expected for the associated phenotype(s). Given the available evidence, this variant is classified as Likely Pathogenic.

Fulgent Genetics
Classification: Likely pathogenic for Retinitis pigmentosa 28. Last evaluated: 2024-04-02. Review status: criteria provided, single submitter. Criteria: ACMG Guidelines, 2015. Collection method: clinical testing. Allele origin: germline.

Baylor Genetics
Classification: Likely pathogenic for Retinitis pigmentosa 28. Last evaluated: 2024-01-08. Review status: criteria provided, single submitter. Criteria: ACMG Guidelines, 2015. Collection method: clinical testing. Allele origin: unknown.

Labcorp Genetics (formerly Invitae), Labcorp
Classification: Pathogenic. Last evaluated: 2023-10-16. Review status: criteria provided, single submitter. Criteria: Invitae Variant Classification Sherloc (09022015). Collection method: clinical testing. Allele origin: germline.
Comment: This sequence change creates a premature translational stop signal (p.Gly24*) in the FAM161A gene. It is expected to result in an absent or disrupted protein product. Loss-of-function variants in FAM161A are known to be pathogenic (PMID: 20705278, 20705279, 24651477). This variant is not present in population databases (gnomAD no frequency). This variant has not been reported in the literature in individuals affected with FAM161A-related conditions. ClinVar contains an entry for this variant (Variation ID: 1075859). For these reasons, this variant has been classified as Pathogenic.

Women's Health and Genetics/Laboratory Corporation of America, LabCorp
Classification: Likely pathogenic for Retinitis pigmentosa. Last evaluated: 2023-03-21. Review status: criteria provided, single submitter. Criteria: LabCorp Variant Classification Summary - May 2015. Collection method: clinical testing. Allele origin: germline.
Comment: Variant summary: FAM161A c.70G>T (p.Gly24X) results in a premature termination codon, predicted to cause a truncation of the encoded protein or absence of the protein due to nonsense mediated decay, which are commonly known mechanisms for disease. Truncations downstream of this position have been classified as pathogenic by our laboratory. The variant was absent in 248270 control chromosomes (gnomAD). To our knowledge, no occurrence of c.70G>T in individuals affected with Retinitis Pigmentosa and no experimental evidence demonstrating its impact on protein function have been reported. One clinical diagnostic laboratory has submitted clinical-significance assessments for this variant to ClinVar after 2014 and classified the variant as pathogenic. Based on the evidence outlined above, the variant was classified as likely pathogenic.

Literature cited by the submitters: PubMed 20705278 (cited by Labcorp Genetics (formerly Invitae), Labcorp); PubMed 20705279 (cited by Labcorp Genetics (formerly Invitae), Labcorp); PubMed 24651477 (cited by Labcorp Genetics (formerly Invitae), Labcorp).